The following is an entry in ClinVar:

NM_001032283.3(TMPO):c.565+2331A>G

Gene: TMPO (thymopoietin; plus strand). Cytogenetic location: 12q23.1.
Variant type: single nucleotide variant.
Coding change: c.565+2331A>G on transcript NM_001032283.3 (MANE Select); 2331 bases into the intron after coding-DNA position 565, A replaced by G.
Molecular consequence: intron variant. On other transcripts: missense variant (1).
Genome position (GRCh38, 1-based): chr12:98,534,169, A>G. VCF-style: chr12-98534169-A-G. GRCh37 (hg19) VCF-style: chr12-98927947-A-G.
Other names: c.1912A>G, p.Met638Val (NM_003276.2); c.565+2331A>G (NM_001307975.2, NM_001032284.3); short protein forms M638V.
Identifiers: ClinVar variation 1026955 (VCV001026955.9), dbSNP rs1319585944, ClinGen allele CA386154199.

ClinVar aggregate classification (germline): Uncertain significance (1 of 4 stars; one submission).

Conditions:
Loeys-Dietz syndrome 2 (LDS2). Also called: TGFBR2-Related Loeys-Dietz Syndrome; AORTIC ANEURYSM, FAMILIAL THORACIC 3; Marfan syndrome, type 2 (formerly); MARFAN SYNDROME, TYPE II; Marfan Syndrome type 2; Marfan like connective tissue disorder. Identifiers: Orphanet 284973, Orphanet 558, MedGen C2674574, MONDO:0012427, OMIM 610168.

Allele frequency attached by ClinVar (database versions not stated): gnomAD 0.00001; gnomAD exomes 0.00001; TOPMed 0.00001.
gnomAD v4.1: 9 of 1,613,812 alleles (0.00056%); highest among the groups gnomAD compares: Non-Finnish European, 0.00076%; no homozygotes.

Submission:

Labcorp Genetics (formerly Invitae), Labcorp
Classification: Uncertain significance for Loeys-Dietz syndrome 2. Last evaluated: 2020-03-06. Review status: criteria provided, single submitter. Criteria: Invitae Variant Classification Sherloc (09022015). Collection method: clinical testing. Allele origin: germline.
Comment: This sequence change replaces methionine with valine at codon 638 of the TMPO protein (p.Met638Val). The methionine residue is weakly conserved and there is a small physicochemical difference between methionine and valine. This variant is not present in population databases (ExAC no frequency). This variant has not been reported in the literature in individuals with TMPO-related conditions. Algorithms developed to predict the effect of missense changes on protein structure and function (SIFT, PolyPhen-2, Align-GVGD) all suggest that this variant is likely to be tolerated, but these predictions have not been confirmed by published functional studies and their clinical significance is uncertain. Algorithms developed to predict the effect of sequence changes on RNA splicing suggest that this variant may create or strengthen a splice site, but this prediction has not been confirmed by published transcriptional studies. In summary, the available evidence is currently insufficient to determine the role of this variant in disease. Therefore, it has been classified as a Variant of Uncertain Significance.